The following is an entry in ClinVar:

NM_018975.4(TERF2IP):c.1027C>T (p.Leu343=)

Gene: TERF2IP (TERF2 interacting protein; plus strand). Cytogenetic location: 16q23.1.
Variant type: single nucleotide variant.
Coding change: c.1027C>T on transcript NM_018975.4 (MANE Select); coding-DNA position 1027, C replaced by T.
Protein change: p.Leu343=; no amino-acid change (leucine 343 retained).
Molecular consequence: synonymous variant. On other transcripts: non-coding transcript variant (1).
Genome position (GRCh38, 1-based): chr16:75,656,438, C>T. VCF-style: chr16-75656438-C-T. GRCh37 (hg19) VCF-style: chr16-75690336-C-T.
Identifiers: ClinVar variation 3455084 (VCV003455084.2).

ClinVar aggregate classification (germline): Conflicting classifications of pathogenicity. Review status: criteria provided, conflicting classifications (1 of 4 stars). 2 submissions from 2 submitters: Uncertain significance (1); Likely benign (1). Last evaluated 2025-12-25.

Submissions (2):

Labcorp Genetics (formerly Invitae), Labcorp
Classification: Uncertain significance. Last evaluated: 2025-12-25. Review status: criteria provided, single submitter. Criteria: Invitae Variant Classification Sherloc (09022015). Collection method: clinical testing. Allele origin: germline.
Comment: This sequence change affects codon 343 of the TERF2IP mRNA. It is a 'silent' change, meaning that it does not change the encoded amino acid sequence of the TERF2IP protein. This variant is not present in population databases (gnomAD no frequency). This variant has not been reported in the literature in individuals affected with TERF2IP-related conditions. ClinVar contains an entry for this variant (Variation ID: 3455084). Algorithms developed to predict the effect of sequence changes on RNA splicing suggest that this variant may create or strengthen a splice site. In summary, the available evidence is currently insufficient to determine the role of this variant in disease. Therefore, it has been classified as a Variant of Uncertain Significance.

Ambry Genetics
Classification: Likely benign. Last evaluated: 2024-07-18. Review status: criteria provided, single submitter. Criteria: Ambry Variant Classification Scheme 2023. Collection method: clinical testing. Allele origin: germline.